The following is an entry in ClinVar:

NM_001557.4(CXCR2):c.92C>A (p.Pro31His)

Gene: CXCR2 (C-X-C motif chemokine receptor 2; plus strand). Cytogenetic location: 2q35.
Variant type: single nucleotide variant.
Coding change: c.92C>A on transcript NM_001557.4 (MANE Select); coding-DNA position 92, C replaced by A.
Protein change: p.Pro31His; replaces proline 31 with histidine.
Molecular consequence: missense variant.
Genome position (GRCh38, 1-based): chr2:218,134,893, C>A. VCF-style: chr2-218134893-C-A. GRCh37 (hg19) VCF-style: chr2-218999616-C-A.
Other names: c.92C>A, p.Pro31His (NM_001168298.2); short protein forms P31H.
Identifiers: ClinVar variation 1418499 (VCV001418499.4), dbSNP rs1280319953, ClinGen allele CA350528410.
Genomic context (GRCh38, chr2:218,134,893, plus strand): 5'-TTGAAGATTTCTGGAAAGGTGAAGATCTTAGTAATTACAGTTACAGCTCTACCCTGCCCC[C>A]TTTTCTACTAGATGCCGCCCCATGTGAACCAGAATCCCTGGAAATCAACAAGTATTTTGT-3'
Protein context (NP_001548.1, residues 21-41): SNYSYSSTLP[Pro31His]FLLDAAPCEP

ClinVar aggregate classification (germline): Uncertain significance (1 of 4 stars; one submission).

Allele frequency attached by ClinVar (database versions not stated): gnomAD exomes below 0.00001 and 0.00001; gnomAD 0.00001; TOPMed 0.00001.
gnomAD v4.1: 16 of 1,614,048 alleles (0.00099%); highest among the groups gnomAD compares: Non-Finnish European, 0.0014%; no homozygotes.

Submission:

Labcorp Genetics (formerly Invitae), Labcorp
Classification: Uncertain significance. Last evaluated: 2022-06-27. Review status: criteria provided, single submitter. Criteria: Invitae Variant Classification Sherloc (09022015). Collection method: clinical testing. Allele origin: germline.
Comment: In summary, the available evidence is currently insufficient to determine the role of this variant in disease. Therefore, it has been classified as a Variant of Uncertain Significance. Algorithms developed to predict the effect of missense changes on protein structure and function output the following: SIFT: "Tolerated"; PolyPhen-2: "Benign"; Align-GVGD: "Class C0". The histidine amino acid residue is found in multiple mammalian species, which suggests that this missense change does not adversely affect protein function. This variant has not been reported in the literature in individuals affected with CXCR2-related conditions. This variant is present in population databases (no rsID available, gnomAD 0.002%). This sequence change replaces proline, which is neutral and non-polar, with histidine, which is basic and polar, at codon 31 of the CXCR2 protein (p.Pro31His).